The following is an entry in ClinVar:

ClinVar aggregate classification (germline): Uncertain significance (1 of 4 stars; one submission).

Conditions:
Familial thoracic aortic aneurysm and aortic dissection (TAAD). Also called: Thoracic aortic aneurysms and dissections. Identifiers: Orphanet 91387, MedGen C4707243, MONDO:0019625.

Submission:

Ambry Genetics
Classification: Uncertain significance for Familial thoracic aortic aneurysm and aortic dissection. Last evaluated: 2024-01-29. Review status: criteria provided, single submitter. Criteria: Ambry Variant Classification Scheme 2023. Collection method: clinical testing. Allele origin: germline.
Comment: The p.P119L variant (also known as c.356C>T), located in coding exon 3 of the TGFBR2 gene, results from a C to T substitution at nucleotide position 356. The proline at codon 119 is replaced by leucine, an amino acid with similar properties. This amino acid position is conserved. In addition, this alteration is predicted to be tolerated by in silico analysis. Based on the available evidence, the clinical significance of this alteration remains unclear.

NM_003242.6(TGFBR2):c.356C>T (p.Pro119Leu)

Gene: TGFBR2 (transforming growth factor beta receptor 2; plus strand). Cytogenetic location: 3p24.1.
Variant type: single nucleotide variant.
Coding change: c.356C>T on transcript NM_003242.6 (MANE Select); coding-DNA position 356, C replaced by T.
Protein change: p.Pro119Leu; replaces proline 119 with leucine.
Molecular consequence: missense variant. On other transcripts: intron variant (2).
Genome position (GRCh38, 1-based): chr3:30,650,362, C>T. VCF-style: chr3-30650362-C-T. GRCh37 (hg19) VCF-style: chr3-30691854-C-T.
Other names: c.431C>T, p.Pro144Leu (NM_001024847.3, NM_001407126.1, NM_001407139.1); c.356C>T, p.Pro119Leu (NM_001407127.1, NM_001407130.1); c.383C>T, p.Pro128Leu (NM_001407128.1); c.251C>T, p.Pro84Leu (NM_001407129.1, NM_001407132.1, NM_001407133.1 and 3 more transcripts); c.170-21276C>T (NM_001407137.1); c.95-21276C>T (NM_001407138.1); short protein forms P119L, P128L, P144L, P84L.
Identifiers: ClinVar variation 3223160 (VCV003223160.1), dbSNP rs1698857596, ClinGen allele CA351806902.